The following continues an entry in ClinVar:

NM_000059.4(BRCA2):c.2240A>G (p.Glu747Gly)

Gene: BRCA2. ClinVar aggregate classification (germline): Conflicting classifications of pathogenicity. Uncertain significance (10); Benign (1); Likely benign (1).

Submissions 9 to 14 of 14:

Sema4
Classification: Uncertain significance for Hereditary cancer-predisposing syndrome. Last evaluated: 2021-12-08. Review status: criteria provided, single submitter. Criteria: Sema4 Curation Guidelines. Collection method: curation. Allele origin: germline.
Comment: The BRCA2 c.2240A>G (p.E747G) variant has been reported in heterozygosity in at least two individuals with breast and/or ovarian cancer (PMID: 33552952, 32846166). Functional studies have shown that this variant shows normal sensitivity to PARP inhibitors and carboplatin (PMID: 32444794). It was observed in 9/30612 chromosomes of the South Asian subpopulation in the large and broad cohorts of the Genome Aggregation Database (PMID: 32461654). The variant has been reported in ClinVar (Variation ID 37778). In silico predictions of the variant's effect on protein function are inconclusive. The evidence is insufficient to meet ACMG/AMP criteria for classifying the variant as benign or pathogenic. Thus, the clinical significance of this variant is currently uncertain.

Ambry Genetics
Classification: Benign for Hereditary cancer-predisposing syndrome. Last evaluated: 2021-04-14. Review status: criteria provided, single submitter. Criteria: Ambry Variant Classification Scheme 2023. Collection method: clinical testing. Allele origin: germline.

Illumina Laboratory Services, Illumina
Classification: Uncertain significance for Fanconi anemia complementation group D1. Last evaluated: 2018-01-13. Review status: criteria provided, single submitter. Criteria: ICSL Variant Classification Criteria 13 December 2019. Collection method: clinical testing. Allele origin: germline.

Illumina Laboratory Services, Illumina
Classification: Uncertain significance for Breast-ovarian cancer, familial, susceptibility to, 2. Last evaluated: 2018-01-13. Review status: criteria provided, single submitter. Criteria: ICSL Variant Classification Criteria 13 December 2019. Collection method: clinical testing. Allele origin: germline.

Sharing Clinical Reports Project (SCRP)
Classification: Uncertain significance for Breast-ovarian cancer, familial 2. Last evaluated: 2010-07-30. Review status: no assertion criteria provided. Collection method: clinical testing. Allele origin: germline. Not counted in ClinVar's aggregate classification.

Department of Pathology and Laboratory Medicine, Sinai Health System
Classification: Uncertain significance. Review status: no assertion criteria provided. Collection method: clinical testing. Allele origin: unknown. Affected: yes. Study: The Canadian Open Genetics Repository (COGR). Not counted in ClinVar's aggregate classification.
Comment: The BRCA2 p.Glu747Gly variant was not identified in the literature nor was it identified in the UMD-LSDB database. The variant was also identified in dbSNP (ID: rs397507283) as "With Uncertain significance allele", ClinVar (classified as uncertain significance by Invitae, Ambry Genetics, GeneDx and three other submitters), and LOVD 3.0 (2x). The variant was identified in control databases in 9 of 246080 chromosomes at a frequency of 0.00004 (Genome Aggregation Database Feb 27, 2017). The variant was observed in the following populations: Other in 1 of 5480 chromosomes (freq: 0.0002) and South Asian in 8 of 30782 chromosomes (freq: 0.0003), while the variant was not observed in the African, Latino, European, Ashkenazi Jewish, East Asian, or Finnish populations. The p.Glu747 residue is not conserved in mammals and computational analyses (PolyPhen-2, SIFT, AlignGVGD, BLOSUM, MutationTaster) provide inconsistent predictions regarding the impact to the protein; this information is not very predictive of pathogenicity. The variant occurs outside of the splicing consensus sequence and in silico or computational prediction software programs (SpliceSiteFinder, MaxEntScan, NNSPLICE, GeneSplicer) do not predict a difference in splicing. In summary, based on the above information, the clinical significance of this variant cannot be determined with certainty at this time. This variant is classified as a variant of uncertain significance.

Literature cited by the submitters: PubMed 32658311 (cited by Labcorp Genetics (formerly Invitae), Labcorp and Women's Health and Genetics/Laboratory Corporation of America, LabCorp); PubMed 32846166 (cited by 7 submitters); PubMed 33552952 (cited by 6 submitters); PubMed 32444794 (cited by 5 submitters); PubMed 37725154 (cited by Color Diagnostics, LLC DBA Color Health); PubMed 31911673 (cited by Quest Diagnostics Nichols Institute San Juan Capistrano).